The following is an entry in ClinVar:

NM_001164508.2(NEB):c.25057+1G>A

Genes: NEB (nebulin; minus strand), RIF1 (replication timing regulatory factor 1; plus strand). Cytogenetic location: 2q23.3.
Variant type: single nucleotide variant.
Coding change: c.25057+1G>A on transcript NM_001164508.2 (MANE Select); the canonical splice donor site of the intron after coding-DNA position 25057, G replaced by A.
Molecular consequence: splice donor variant.
Genome position (GRCh38, 1-based): chr2:151,492,097, C>T on the plus strand (G>A on the coding strand, the complement: NEB is on the minus strand). VCF-style: chr2-151492097-C-T. GRCh37 (hg19) VCF-style: chr2-152348611-C-T.
Other names: c.19489+1G>A (NM_004543.5); c.25057+1G>A (NM_001164507.2); c.25162+1G>A (NM_001271208.2).
Identifiers: ClinVar variation 551995 (VCV000551995.8), dbSNP rs1191429915, ClinGen allele CA348773126.
Genomic context (GRCh38, chr2:151,492,097, plus strand): 5'-CTTTTGTTCTTCTACCCCCTCACTTAAAGTTAATCCCCTCCCCCAACCCAGGCTCAGTTA[C>T]CTGTAATAGTCTCCTGATCTTGGTCATTCCGTTTTTGTTCCATTTCTACCACTTTCCTCT-3'

ClinVar aggregate classification (germline): Conflicting classifications of pathogenicity. Review status: criteria provided, conflicting classifications (1 of 4 stars). 5 submissions from 5 submitters: Likely pathogenic (3); Uncertain significance (1). 1 of the submissions does not count toward it. Last evaluated 2025-06-22.

Conditions:
NEB-related disorder. Also called: NEB-Related Disorders; NEB-related condition.
Nemaline myopathy. Also called: Myopathies, Nemaline. Identifiers: Orphanet 607, MedGen C0206157, MONDO:0018958.
Nemaline myopathy 2 (NEM2). Also called: Nemaline myopathy 2, autosomal recessive. Identifiers: MedGen C1850569, MONDO:0009725, OMIM 256030.
Arthrogryposis multiplex congenita 6. Identifiers: MedGen C5543431, MONDO:0030281, OMIM 619334.

Allele frequency attached by ClinVar (database versions not stated): gnomAD exomes below 0.00001.
gnomAD v4.1: 1 of 1,613,736 alleles (0.000062%); highest among the groups gnomAD compares: Non-Finnish European, 0.000085%; no homozygotes.

Submissions (5):

Labcorp Genetics (formerly Invitae), Labcorp
Classification: Likely pathogenic for Nemaline myopathy 2. Last evaluated: 2025-06-22. Review status: criteria provided, single submitter. Criteria: Invitae Variant Classification Sherloc (09022015). Collection method: clinical testing. Allele origin: germline.
Comment: This sequence change affects a donor splice site in intron 179 of the NEB gene. It is expected to disrupt RNA splicing. Variants that disrupt the donor or acceptor splice site typically lead to a loss of protein function (PMID: 16199547), and loss-of-function variants in NEB are known to be pathogenic (PMID: 25205138). This variant is present in population databases (no rsID available, gnomAD 0.0009%). This variant has not been reported in the literature in individuals affected with NEB-related conditions. ClinVar contains an entry for this variant (Variation ID: 551995). Algorithms developed to predict the effect of sequence changes on RNA splicing suggest that this variant may disrupt the consensus splice site. In summary, the currently available evidence indicates that the variant is pathogenic, but additional data are needed to prove that conclusively. Therefore, this variant has been classified as Likely Pathogenic.

Broad Center for Mendelian Genomics, Broad Institute of MIT and Harvard
Classification: Uncertain significance for Nemaline myopathy. Last evaluated: 2025-02-25. Review status: criteria provided, single submitter. Criteria: ACMG Guidelines, 2015. Collection method: curation. Allele origin: germline. Inheritance: Autosomal recessive inheritance.
Comment: The c.25057+1G>A variant in NEB has not been previously reported in the literature in individuals with nemaline myopathy, but has been identified in 0.000085% (1/1179708) of European (non-Finnish) chromosomes by the Genome Aggregation Database (gnomAD; dbSNP ID: rs1191429915). Although this variant has been seen in the general population in a heterozygous state, its frequency is low enough to be consistent with a recessive carrier frequency. This variant has also been reported in ClinVar (Variation ID: 551995) and has been interpreted as likely pathogenic by Counsyl. This variant is located in the 3' splice region. There is an in-frame cryptic splice site 66 bases from the intron-exon boundary, providing evidence that this variant may delete 22 amino acids instead of causing loss of function. Loss of function of the NEB gene is an established disease mechanism in autosomal recessive nemaline myopathy. However, this information is not predictive enough to determine pathogenicity. In summary, the clinical significance of the c.25057+1G>A variant is uncertain. ACMG/AMP Criteria applied: PVS1_moderate, PM2_supporting (Richards 2015).

Blueprint Genetics
Classification: Likely pathogenic for NEB-related disorders. Last evaluated: 2024-06-26. Review status: criteria provided, single submitter. Criteria: ACMG Guidelines, 2015. Collection method: clinical testing. Allele origin: germline. Affected: yes. Observed: 2 variant alleles.

Baylor Genetics
Classification: Likely pathogenic for Arthrogryposis multiplex congenita 6. Last evaluated: 2023-07-09. Review status: criteria provided, single submitter. Criteria: ACMG Guidelines, 2015. Collection method: clinical testing. Allele origin: unknown.

Counsyl
Classification: Likely pathogenic for Nemaline myopathy 2. Last evaluated: 2017-05-19. Review status: no assertion criteria provided. Collection method: clinical testing. Allele origin: unknown. Not counted in ClinVar's aggregate classification.

Literature cited by the submitters: PubMed 16199547 (cited by Labcorp Genetics (formerly Invitae), Labcorp); PubMed 25205138 (cited by Labcorp Genetics (formerly Invitae), Labcorp).